The following is an entry in ClinVar:

ClinVar aggregate classification (germline): Likely benign (1 of 4 stars; one submission).

Conditions:
Familial cancer of breast. Also called: hereditary breast carcinoma; Hereditary breast cancer; BREAST CANCER, FAMILIAL. Identifiers: Orphanet 227535, MedGen C0346153, MONDO:0016419, OMIM 114480. Disease mechanism: loss of function.

Submission:

Myriad Genetics, Inc.
Classification: Likely benign for Familial cancer of breast. Last evaluated: 2024-07-24. Review status: criteria provided, single submitter. Criteria: Myriad Autosomal Dominant, Autosomal Recessive and X-Linked Classification Criteria (2023). Collection method: clinical testing. Allele origin: unknown.
Comment: This variant is considered likely benign. This variant is intronic and is not expected to impact mRNA splicing.

NM_000465.4(BARD1):c.1314+7T>A

Gene: BARD1 (BRCA1 associated RING domain 1; minus strand). Cytogenetic location: 2q35.
Variant type: single nucleotide variant.
Coding change: c.1314+7T>A on transcript NM_000465.4 (MANE Select); 7 bases into the intron after coding-DNA position 1314, T replaced by A.
Molecular consequence: intron variant.
Genome position (GRCh38, 1-based): chr2:214,780,553, A>T on the plus strand (T>A on the coding strand, the complement: BARD1 is on the minus strand). VCF-style: chr2-214780553-A-T. GRCh37 (hg19) VCF-style: chr2-215645277-A-T.
Other names: c.159-27998T>A (NM_001282548.2); c.1257+7T>A (NM_001282543.2); c.215+16508T>A (NM_001282545.2); c.364+11744T>A (NM_001282549.2).
Identifiers: ClinVar variation 3378822 (VCV003378822.1).
Genomic context (GRCh38, chr2:214,780,553, plus strand): 5'-AAACTGCAAAGAAATTGCTTTATAGTTGGCCTCATTCTGAGATGGTATTTCAGAGTAAGC[A>T]TCCTACCTTAATAGAAGCAATATGGAGCAAAGTCTCTCCTCTATGATTTCTTTTCACAGC-3'